The following is an entry in ClinVar:

NM_000455.5(STK11):c.398T>A (p.Val133Glu)

Gene: STK11 (serine/threonine kinase 11; plus strand). Cytogenetic location: 19p13.3.
Variant type: single nucleotide variant.
Coding change: c.398T>A on transcript NM_000455.5 (MANE Select); coding-DNA position 398, T replaced by A.
Protein change: p.Val133Glu; replaces valine 133 with glutamic acid.
Molecular consequence: missense variant. On other transcripts: non-coding transcript variant (1).
Genome position (GRCh38, 1-based): chr19:1,219,347, T>A. VCF-style: chr19-1219347-T-A. GRCh37 (hg19) VCF-style: chr19-1219346-T-A.
Other names: c.398T>A, p.Val133Glu (NM_001407255.1); short protein forms V133E.
Identifiers: ClinVar variation 2600253 (VCV002600253.2), dbSNP rs2145422263, ClinGen allele CA402948169.

ClinVar aggregate classification (germline): Uncertain significance (1 of 4 stars; one submission).

Conditions:
Hereditary cancer-predisposing syndrome. Also called: Tumor predisposition; Hereditary Cancer Syndrome; Hereditary neoplastic syndrome; Neoplastic Syndromes, Hereditary. Identifiers: Orphanet 140162, MedGen C0027672, MeSH D009386, MONDO:0015356.

Submission:

Ambry Genetics
Classification: Uncertain significance for Hereditary cancer-predisposing syndrome. Last evaluated: 2023-07-27. Review status: criteria provided, single submitter. Criteria: Ambry Variant Classification Scheme 2023. Collection method: clinical testing. Allele origin: germline.
Comment: The p.V133E variant (also known as c.398T>A), located in coding exon 3 of the STK11 gene, results from a T to A substitution at nucleotide position 398. The valine at codon 133 is replaced by glutamic acid, an amino acid with dissimilar properties. This amino acid position is conserved. In addition, this alteration is predicted to be deleterious by in silico analysis. Since supporting evidence is limited at this time, the clinical significance of this alteration remains unclear.